The following is an entry in ClinVar:

ClinVar aggregate classification (germline): Benign. Review status: criteria provided, multiple submitters, no conflicts (2 of 4 stars). 3 submissions from 3 submitters: Benign (3). Last evaluated 2026-02-03.

Conditions:
Congenital myasthenic syndrome 8. Also called: Myasthenic syndrome, congenital, 8, with pre- and postsynaptic defects; MYASTHENIC SYNDROME, CONGENITAL, DUE TO AGRIN DEFICIENCY. Identifiers: Orphanet 590, MedGen C3808739, MONDO:0014052, OMIM 615120.

Allele frequency attached by ClinVar (database versions not stated): gnomAD 0.01516 and 0.01660; 1000 Genomes Project 30x 0.01546; TOPMed 0.01685; ESP Exome Variant Server 0.01761; gnomAD exomes 0.00144 and 0.00396; ExAC 0.00493; 1000 Genomes Project 0.01418.
gnomAD v4.1: 4,480 of 1,612,874 alleles (0.28%); highest among the groups gnomAD compares: African/African-American, 5.3%; 116 homozygotes.

Submissions (3):

Labcorp Genetics (formerly Invitae), Labcorp
Classification: Benign for Congenital myasthenic syndrome 8. Last evaluated: 2026-02-03. Review status: criteria provided, single submitter. Criteria: Invitae Variant Classification Sherloc (09022015). Collection method: clinical testing. Allele origin: germline.

GeneDx
Classification: Benign. Last evaluated: 2017-12-28. Review status: criteria provided, single submitter. Criteria: GeneDx Variant Classification (06012015). Collection method: clinical testing. Allele origin: germline. Affected: yes.
Comment: This variant is considered likely benign or benign based on one or more of the following criteria: it is a conservative change, it occurs at a poorly conserved position in the protein, it is predicted to be benign by multiple in silico algorithms, and/or has population frequency not consistent with disease.

PreventionGenetics, part of Exact Sciences
Classification: Benign. Review status: criteria provided, single submitter. Criteria: ACMG Guidelines, 2015. Collection method: clinical testing. Allele origin: germline.

NM_198576.4(AGRN):c.202-13A>G

Genes: AGRN (agrin; plus strand), LOC126805576 (P300/CBP strongly-dependent group 1 enhancer GRCh37_chr1:956772-957971; plus strand). Cytogenetic location: 1p36.33.
Variant type: single nucleotide variant.
Coding change: c.202-13A>G on transcript NM_198576.4 (MANE Select); 13 bases into the intron before coding-DNA position 202, A replaced by G.
Molecular consequence: intron variant.
Genome position (GRCh38, 1-based): chr1:1,022,188, A>G. VCF-style: chr1-1022188-A-G. GRCh37 (hg19) VCF-style: chr1-957568-A-G.
Other names: c.202-13A>G (NM_001305275.2).
Identifiers: ClinVar variation 263166 (VCV000263166.10), dbSNP rs115704555, ClinGen allele CA507777.